The following is an entry in ClinVar:

ClinVar aggregate classification (germline): Uncertain significance (1 of 4 stars; one submission).

Conditions:
Inborn genetic diseases. Identifiers: MedGen C0950123, MeSH D030342.

Allele frequency attached by ClinVar (database versions not stated): gnomAD exomes below 0.00001.
gnomAD v4.1: 2 of 1,614,240 alleles (0.00012%); highest among the groups gnomAD compares: Non-Finnish European, 0.00017%; no homozygotes.

Submission:

Ambry Genetics
Classification: Uncertain significance for Inborn genetic diseases. Last evaluated: 2022-12-25. Review status: criteria provided, single submitter. Criteria: Ambry Variant Classification Scheme 2023. Collection method: clinical testing. Allele origin: germline.
Comment: The p.T189I variant (also known as c.566C>T), located in coding exon 1 of the SERPINA1 gene, results from a C to T substitution at nucleotide position 566. The threonine at codon 189 is replaced by isoleucine, an amino acid with similar properties. This amino acid position is conserved. In addition, this alteration is predicted to be deleterious by in silico analysis. Since supporting evidence is limited at this time, the clinical significance of this alteration remains unclear.

NM_000295.5(SERPINA1):c.566C>T (p.Thr189Ile)

Gene: SERPINA1 (serpin family A member 1; minus strand). Cytogenetic location: 14q32.13.
Variant type: single nucleotide variant.
Coding change: c.566C>T on transcript NM_000295.5 (MANE Select); coding-DNA position 566, C replaced by T.
Protein change: p.Thr189Ile; replaces threonine 189 with isoleucine.
Molecular consequence: missense variant.
Genome position (GRCh38, 1-based): chr14:94,382,672, G>A on the plus strand (C>T on the coding strand, the complement: SERPINA1 is on the minus strand). VCF-style: chr14-94382672-G-A. GRCh37 (hg19) VCF-style: chr14-94849009-G-A.
Other names: c.566C>T, p.Thr189Ile (NM_001002235.3, NM_001002236.3, NM_001127700.2 and 7 more transcripts); short protein forms T189I.
Identifiers: ClinVar variation 2449430 (VCV002449430.2), dbSNP rs2504775396, ClinGen allele CA390849460.